The following is an entry in ClinVar:

ClinVar aggregate classification (germline): Conflicting classifications of pathogenicity. Review status: criteria provided, conflicting classifications (1 of 4 stars). 6 submissions from 5 submitters: Uncertain significance (4); Benign (1); Likely benign (1). Last evaluated 2025-12-09.

Conditions:
Inborn genetic diseases. Identifiers: MedGen C0950123, MeSH D030342.
Spinocerebellar ataxia, autosomal recessive, with axonal neuropathy 2 (SCAN2). Also called: ATAXIA-OCULOMOTOR APRAXIA 2; Ataxia with Oculomotor Apraxia Type 2; Ataxia-ocular apraxia-2; Ataxia with Oculomotor Apraxia. Identifiers: Orphanet 64753, MedGen C1853761, MONDO:0018996, OMIM 606002.
SETX-related disorder. Also called: SETX-related condition; SETX-related disorders. Identifiers: MedGen CN239403.
Amyotrophic lateral sclerosis type 4 (ALS4). Also called: AMYOTROPHIC LATERAL SCLEROSIS 4, JUVENILE; NEURONOPATHY, DISTAL HEREDITARY MOTOR, WITH PYRAMIDAL FEATURES. Identifiers: Orphanet 357043, MedGen C1865409, MONDO:0011223, OMIM 602433.

Allele frequency attached by ClinVar (database versions not stated): ExAC 0.00001; gnomAD exomes 0.00001; TOPMed 0.00001.
gnomAD v4.1: 11 of 1,613,788 alleles (0.00068%); highest among the groups gnomAD compares: African/African-American, 0.004%; no homozygotes.

Submissions (6):

Ambry Genetics
Classification: Likely benign for Inborn genetic diseases. Last evaluated: 2025-12-09. Review status: criteria provided, single submitter. Criteria: Ambry Variant Classification Scheme 2023. Collection method: clinical testing. Allele origin: germline.

Genome-Nilou Lab
Classification: Uncertain significance for Spinocerebellar ataxia, autosomal recessive, with axonal neuropathy 2. Last evaluated: 2023-02-08. Review status: criteria provided, single submitter. Criteria: ACMG Guidelines, 2015. Collection method: clinical testing. Allele origin: germline.

Genome-Nilou Lab
Classification: Uncertain significance for Amyotrophic lateral sclerosis type 4. Last evaluated: 2023-02-08. Review status: criteria provided, single submitter. Criteria: ACMG Guidelines, 2015. Collection method: clinical testing. Allele origin: germline.

PreventionGenetics, part of Exact Sciences
Classification: Uncertain significance for SETX-related condition. Last evaluated: 2023-01-30. Review status: criteria provided, single submitter. Criteria: ACMG Guidelines, 2015. Collection method: clinical testing. Allele origin: germline.
Comment: The SETX c.3028C>T variant is predicted to result in the amino acid substitution p.Arg1010Cys. To our knowledge, this variant has not been reported in the literature or in a large population database, indicating this variant is rare. At this time, the clinical significance of this variant is uncertain due to the absence of conclusive functional and genetic evidence.

Labcorp Genetics (formerly Invitae), Labcorp
Classification: Benign for Amyotrophic lateral sclerosis type 4; Spinocerebellar ataxia, autosomal recessive, with axonal neuropathy 2. Last evaluated: 2022-12-06. Review status: criteria provided, single submitter. Criteria: Invitae Variant Classification Sherloc (09022015). Collection method: clinical testing. Allele origin: germline.

Athena Diagnostics
Classification: Uncertain significance. Last evaluated: 2016-11-07. Review status: criteria provided, single submitter. Criteria: Athena Diagnostics Criteria. Collection method: clinical testing. Allele origin: germline.

NM_015046.7(SETX):c.3028C>T (p.Arg1010Cys)

Gene: SETX (senataxin; minus strand). Cytogenetic location: 9q34.13.
Variant type: single nucleotide variant.
Coding change: c.3028C>T on transcript NM_015046.7 (MANE Select); coding-DNA position 3028, C replaced by T.
Protein change: p.Arg1010Cys; replaces arginine 1010 with cysteine.
Molecular consequence: missense variant.
Genome position (GRCh38, 1-based): chr9:132,328,570, G>A on the plus strand (C>T on the coding strand, the complement: SETX is on the minus strand). VCF-style: chr9-132328570-G-A. GRCh37 (hg19) VCF-style: chr9-135203957-G-A.
Other names: c.3028C>T, p.Arg1010Cys (NM_001351527.2, NM_001351528.2); short protein forms R1010C.
Identifiers: ClinVar variation 448319 (VCV000448319.9), dbSNP rs766799023, ClinGen allele CA5297495.